The following is an entry in ClinVar:

NM_030973.4(MED25):c.703G>A (p.Ala235Thr)

Gene: MED25 (mediator complex subunit 25; plus strand). Cytogenetic location: 19q13.33.
Variant type: single nucleotide variant.
Coding change: c.703G>A on transcript NM_030973.4 (MANE Select); coding-DNA position 703, G replaced by A.
Protein change: p.Ala235Thr; replaces alanine 235 with threonine.
Molecular consequence: missense variant.
Genome position (GRCh38, 1-based): chr19:49,830,102, G>A. VCF-style: chr19-49830102-G-A. GRCh37 (hg19) VCF-style: chr19-50333359-G-A.
Other names: c.703G>A, p.Ala235Thr (NM_001378355.1); short protein forms A235T.
Identifiers: ClinVar variation 954065 (VCV000954065.9), dbSNP rs2074043556, ClinGen allele CA406913757.

ClinVar aggregate classification (germline): Uncertain significance (1 of 4 stars; one submission).

Conditions:
Charcot-Marie-Tooth disease type 2. Also called: Charcot-Marie-Tooth type 2. Identifiers: Orphanet 64746, MedGen C0270914, MONDO:0018993.

Submission:

Labcorp Genetics (formerly Invitae), Labcorp
Classification: Uncertain significance for Charcot-Marie-Tooth disease type 2. Last evaluated: 2019-08-26. Review status: criteria provided, single submitter. Criteria: Invitae Variant Classification Sherloc (09022015). Collection method: clinical testing. Allele origin: germline.
Comment: In summary, the available evidence is currently insufficient to determine the role of this variant in disease. Therefore, it has been classified as a Variant of Uncertain Significance. Algorithms developed to predict the effect of missense changes on protein structure and function output the following: SIFT: "Tolerated"; PolyPhen-2: "Benign"; Align-GVGD: "Class C0". The threonine amino acid residue is found in multiple mammalian species, suggesting that this missense change does not adversely affect protein function. These predictions have not been confirmed by published functional studies and their clinical significance is uncertain. This variant has not been reported in the literature in individuals with MED25-related conditions. This variant is not present in population databases (ExAC no frequency). This sequence change replaces alanine with threonine at codon 235 of the MED25 protein (p.Ala235Thr). The alanine residue is moderately conserved and there is a small physicochemical difference between alanine and threonine.